The following is an entry in ClinVar:

ClinVar aggregate classification (germline): Pathogenic. Review status: criteria provided, multiple submitters, no conflicts (2 of 4 stars). 9 submissions from 9 submitters: Pathogenic (8). 1 of the submissions does not count toward it. Last evaluated 2025-03-21.

Conditions:
Cardiomyopathy (CMYO). Also called: Cardiomyopathies. Identifiers: Orphanet 167848, MedGen C0878544, MONDO:0004994, HP:0001638. Inheritance: Various modes of inheritance.
Duchenne muscular dystrophy (DMD). Also called: MUSCULAR DYSTROPHY, PSEUDOHYPERTROPHIC PROGRESSIVE, DUCHENNE TYPE; Duchenne Muscular Dystrophy (DMD). Identifiers: Orphanet 98896, MedGen C0013264, MONDO:0010679, OMIM 310200.
Becker muscular dystrophy (BMD). Also called: MUSCULAR DYSTROPHY, PSEUDOHYPERTROPHIC PROGRESSIVE, BECKER TYPE; Becker Muscular Dystrophy (BMD). Identifiers: Orphanet 98895, MedGen C0917713, MONDO:0010311, OMIM 300376.
Dystrophin deficiency.

Submissions (9):

3billion
Classification: Pathogenic for Duchenne muscular dystrophy. Last evaluated: 2025-03-21. Review status: criteria provided, single submitter. Criteria: ACMG Guidelines, 2015. Collection method: clinical testing. Allele origin: germline. Affected: yes.
Comment: The variant is not observed in the gnomAD v4.1.0 dataset. Predicted Consequence/Location: Stop-gained (nonsense): predicted to result in a loss or disruption of normal protein function through nonsense-mediated decay (NMD) or protein truncation. Multiple pathogenic variants are reported downstream of the variant. The variant has been reported at least twice as pathogenic with clinical assertions and evidence for the classification (ClinVar ID: VCV000593327 / PMID: 19937601). Therefore, this variant is classified as Pathogenic according to the recommendation of ACMG/AMP guideline.

Neuberg Centre For Genomic Medicine, NCGM
Classification: Pathogenic for Duchenne muscular dystrophy. Last evaluated: 2023-06-22. Review status: criteria provided, single submitter. Criteria: ACMG Guidelines, 2015. Collection method: clinical testing. Allele origin: germline. Inheritance: X-linked recessive inheritance. Affected: yes.
Comment: The observed stop gained c.5371C>T(p.Gln1791Ter) variant in DMD gene has been reported previously in X-linked state in individual(s) affected with Becker, Duchenne, or intermediate muscular dystrophy (Juan-Mateu et al., 2013). This variant is absent in gnomAD Exomes. This variant has been reported to the ClinVar database as Pathogenic (multiple submitters). This variant is predicted to cause loss of normal protein function either through protein truncation or nonsense-mediated mRNA decay. It is expected to result in an absent or disrupted protein product. Loss-of-function variants in DMD are known to be pathogenic (Santos et al., 2014). Computational evidence (MutationTaster - Disease causing automatic) predicts damaging effect on protein structure and function for this variant. For these reasons, this variant has been classified as Pathogenic.

Revvity Omics, Revvity
Classification: Pathogenic. Last evaluated: 2023-03-21. Review status: criteria provided, single submitter. Criteria: ACMG Guidelines, 2015. Collection method: clinical testing. Allele origin: germline.

Athena Diagnostics
Classification: Pathogenic. Last evaluated: 2021-05-20. Review status: criteria provided, single submitter. Criteria: Athena Diagnostics criteria. Collection method: clinical testing. Allele origin: unknown.
Comment: This variant is expected to result in the loss of a functional protein. This variant has not been reported in large, multi-ethnic general populations. This variant has been reported in patients with Becker muscular dystrophy (BMD), Duchenne muscular dystrophy (DMD), and an intermediate dystrophinopathy.

Labcorp Genetics (formerly Invitae), Labcorp
Classification: Pathogenic for Duchenne muscular dystrophy. Last evaluated: 2020-01-02. Review status: criteria provided, single submitter. Criteria: Invitae Variant Classification Sherloc (09022015). Collection method: clinical testing. Allele origin: germline.
Comment: For these reasons, this variant has been classified as Pathogenic. Loss-of-function variants in DMD are known to be pathogenic (PMID: 16770791, 25007885). This variant has been observed in individual(s) with Becker, Duchenne, or intermediate muscular dystrophy (PMID: 19937601, 21972111, 23536893). ClinVar contains an entry for this variant (Variation ID: 593327). This variant is not present in population databases (ExAC no frequency). This sequence change creates a premature translational stop signal (p.Gln1791*) in the DMD gene. It is expected to result in an absent or disrupted protein product.

Mendelics
Classification: Pathogenic for Duchenne muscular dystrophy. Last evaluated: 2019-05-28. Review status: criteria provided, single submitter. Criteria: Mendelics Assertion Criteria 2017. Collection method: clinical testing. Allele origin: unknown.

ARUP Laboratories, Molecular Genetics and Genomics, ARUP Laboratories
Classification: Pathogenic. Last evaluated: 2018-04-10. Review status: criteria provided, single submitter. Criteria: ARUP Molecular Germline Variant Investigation Process. Collection method: clinical testing. Allele origin: germline.
Comment: The DMD c.5371C>T; p.Gln1791Ter variant has been reported in at least five muscular dystrophy patients, with diagnoses including Becker, Duchenne, and intermediate muscular dystrophy (Flanigan 2009, Juan-Mateu 2013). This variant introduces a premature termination codon in exon 38, and is expected to result in a truncated or absent protein product. Other truncating variants in exon 38 have been observed in cohorts of Duchenne and Becker muscular dystrophy patients (selected references: Flanigan 2009, Juan-Mateu 2013, Aartsma-Rus 2006). Based on the available information, the p.Gln1791Ter variant is classified as pathogenic.

Eurofins Ntd Llc (ga)
Classification: Pathogenic. Last evaluated: 2017-07-27. Review status: criteria provided, single submitter. Criteria: EGL Classification Definitions 2015. Collection method: clinical testing. Allele origin: germline.

Natera, Inc.
Classification: Pathogenic for Becker muscular dystrophy; Cardiomyopathy; Duchenne muscular dystrophy; Dystrophin deficiency. Last evaluated: 2017-10-19. Review status: no assertion criteria provided. Collection method: clinical testing. Allele origin: germline. Not counted in ClinVar's aggregate classification.

Literature cited by the submitters: PubMed 19937601 (cited by 3 submitters); PubMed 21972111 (cited by Athena Diagnostics and Labcorp Genetics (formerly Invitae), Labcorp); PubMed 23536893 (cited by Athena Diagnostics and Labcorp Genetics (formerly Invitae), Labcorp); PubMed 26968818 (cited by Athena Diagnostics); PubMed 29196072 (cited by Athena Diagnostics); PubMed 16770791 (cited by Labcorp Genetics (formerly Invitae), Labcorp); PubMed 25007885 (cited by Labcorp Genetics (formerly Invitae), Labcorp).

NM_004006.3(DMD):c.5371C>T (p.Gln1791Ter)

Gene: DMD (dystrophin; minus strand). Cytogenetic location: Xp21.1.
Variant type: single nucleotide variant.
Coding change: c.5371C>T on transcript NM_004006.3 (MANE Select); coding-DNA position 5371, C replaced by T.
Protein change: p.Gln1791Ter; replaces glutamine 1791 with a stop codon.
Molecular consequence: nonsense.
Genome position (GRCh38, 1-based): chrX:32,348,483, G>A on the plus strand (C>T on the coding strand, the complement: DMD is on the minus strand). VCF-style: chrX-32348483-G-A. GRCh37 (hg19) VCF-style: chrX-32366600-G-A.
Other names: c.5347C>T, p.Gln1783Ter (NM_000109.4); c.5359C>T, p.Gln1787Ter (NM_004009.3); c.5002C>T, p.Gln1668Ter (NM_004010.3); c.1348C>T, p.Gln450Ter (NM_004011.4); c.1339C>T, p.Gln447Ter (NM_004012.4); short protein forms Q1791*, Q1668*, Q1787*, Q447*, Q1783*, Q450*.
Identifiers: ClinVar variation 593327 (VCV000593327.26), dbSNP rs1569559204, ClinGen allele CA412667964.